The following is an entry in ClinVar:

NM_006767.4(LZTR1):c.2438G>A (p.Ser813Asn)

Gene: LZTR1 (leucine zipper like post translational regulator 1; plus strand). Cytogenetic location: 22q11.21.
Variant type: single nucleotide variant.
Coding change: c.2438G>A on transcript NM_006767.4 (MANE Select); coding-DNA position 2438, G replaced by A.
Protein change: p.Ser813Asn; replaces serine 813 with asparagine.
Molecular consequence: missense variant.
Genome position (GRCh38, 1-based): chr22:20,997,263, G>A. VCF-style: chr22-20997263-G-A. GRCh37 (hg19) VCF-style: chr22-21351552-G-A.
Other names: short protein forms S813N.
Identifiers: ClinVar variation 3992051 (VCV003992051.1).
Genomic context (GRCh38, chr22:20,997,263, plus strand): 5'-CATCTCCTTCCGGCCTGCTTGCCTTACAGGTCTCCAAGTTGCCCACCCTGCGGTCGCTGA[G>A]CCAGCAGCTGCTGCTGGACATCATAGACTCCCTGGCCTCCCACATCTCAGACAAGCAGTG-3'
Protein context (NP_006758.2, residues 803-823): VSKLPTLRSL[Ser813Asn]QQLLLDIIDS

ClinVar aggregate classification (germline): Uncertain significance (1 of 4 stars; one submission).

Conditions:
Cardiovascular phenotype. Identifiers: MedGen CN230736.
Hereditary cancer-predisposing syndrome. Also called: Tumor predisposition; Hereditary neoplastic syndrome; Neoplastic Syndromes, Hereditary; Hereditary Cancer Syndrome. Identifiers: Orphanet 140162, MedGen C0027672, MeSH D009386, MONDO:0015356.

Submission:

Ambry Genetics
Classification: Uncertain significance for Cardiovascular phenotype; Hereditary cancer-predisposing syndrome. Last evaluated: 2025-04-18. Review status: criteria provided, single submitter. Criteria: Ambry Variant Classification Scheme 2023. Collection method: clinical testing. Allele origin: germline.
Comment: The p.S813N variant (also known as c.2438G>A), located in coding exon 21 of the LZTR1 gene, results from a G to A substitution at nucleotide position 2438. The serine at codon 813 is replaced by asparagine, an amino acid with highly similar properties. This amino acid position is conserved. In addition, this alteration is predicted to be tolerated by in silico analysis. Based on the available evidence, the clinical significance of this variant remains unclear.